The following is an entry in ClinVar:

ClinVar aggregate classification (germline): Likely pathogenic (1 of 4 stars; one submission).

Submission:

Quest Diagnostics Nichols Institute San Juan Capistrano
Classification: Likely pathogenic. Last evaluated: 2021-08-03. Review status: criteria provided, single submitter. Criteria: ACMG/ClinGen CNV Guidelines, 2019. Collection method: clinical testing. Allele origin: unknown.
Comment: This deletion interval fully overlaps the 15q25.2q25.3 recurrent region (LCR C-D, distal), which has been observed in individuals with developmental delay and intellectual disability. Case-control studies in children with developmental delay, intellectual disability, multiple congenital anomalies, and other developmental phenotypes showed that heterozygous deletions of this region were enriched in the clinical population (Coe et al., Nat Genet 2014;46(10):1063-71, PMID: 25217958). Additionally, in a large-scale case-control comparison study of copy number variants (CNV) in 15,767 children with developmental delay and intellectual disability, five patients were described with distal microdeletions of 15q25.2q25.3 similar or smaller than the current deletion. Three of these patients were described to have developmental delay (one also had a seizure disorder), one had autism, and one had hypotonia (Cooper et al., Nat Genet 2011 Aug 14;43(9):838-46, PMID: 21841781). Otherwise, heterozygous deletions of this locus have not yet been associated with an established clinical phenotype, and there are two similar copy number losses of this region in the general populations of the Database of Genomic Variants. Thus, conservatively, the clinical significance of this recurrent region is regarded as likely pathogenic.

GRCh37/hg19 15q25.2-25.3(chr15:84827469-85786847)x1

Genes: ALPK3 (alpha kinase 3; plus strand), NMB (neuromedin B; minus strand), PDE8A (phosphodiesterase 8A; plus strand), SEC11A (SEC11 homolog A, signal peptidase complex subunit; minus strand), SLC28A1 (solute carrier family 28 member 1; plus strand) and 3 more. Cytogenetic location: 15q25.2-25.3.
Variant type: copy number loss.
Change: copy number 1 (one copy instead of two) of chr15:84,827,469-85,786,847 (959.4 kb, GRCh37 coordinates, 1-based), cytogenetic band 15q25.2-25.3.
Identifiers: ClinVar variation 1807730 (VCV001807730.1).